The following is an entry in ClinVar:

NM_182914.3(SYNE2):c.19056+3A>T

Gene: SYNE2 (spectrin repeat containing nuclear envelope protein 2; plus strand). Cytogenetic location: 14q23.2.
Variant type: single nucleotide variant.
Coding change: c.19056+3A>T on transcript NM_182914.3 (MANE Select); 3 bases into the intron after coding-DNA position 19056, A replaced by T.
Molecular consequence: intron variant.
Genome position (GRCh38, 1-based): chr14:64,213,008, A>T. VCF-style: chr14-64213008-A-T. GRCh37 (hg19) VCF-style: chr14-64679726-A-T.
Other names: c.19056+3A>T (NM_015180.6).
Identifiers: ClinVar variation 3066358 (VCV003066358.1), dbSNP rs2550151221, ClinGen allele CA2740097933.

ClinVar aggregate classification (germline): Uncertain significance (1 of 4 stars; one submission).

Conditions:
Emery-Dreifuss muscular dystrophy 5, autosomal dominant (EDMD5). Also called: EMERY-DREIFUSS MUSCULAR DYSTROPHY 5. Identifiers: Orphanet 261, MedGen C2751805, MONDO:0013072, OMIM 612999.

Submission:

MVZ Medizinische Genetik Mainz
Classification: Uncertain significance for Emery-Dreifuss muscular dystrophy 5, autosomal dominant. Last evaluated: 2021-12-27. Review status: criteria provided, single submitter. Criteria: UK Practice Guidelines For Variant Classification V4 01 2020. Collection method: clinical testing. Allele origin: germline. Inheritance: Autosomal dominant inheritance. Affected: yes. Observed: 1 variant allele.
Comment: ACMG Criteria: PM2_SUP, PP3 (ACMG Version 3)